The following is an entry in ClinVar:

ClinVar aggregate classification (germline): Uncertain significance. Review status: criteria provided, multiple submitters, no conflicts (2 of 4 stars). 2 submissions from 2 submitters: Uncertain significance (2). Last evaluated 2025-07-01.

Allele frequency attached by ClinVar (database versions not stated): TOPMed 0.00005; gnomAD exomes 0.00006 and 0.00012; gnomAD 0.00011.
gnomAD v4.1: 105 of 1,608,370 alleles (0.0065%); highest among the groups gnomAD compares: Middle Eastern, 0.016%; no homozygotes.

Submissions (2):

CeGaT Center for Human Genetics Tuebingen
Classification: Uncertain significance. Last evaluated: 2025-07-01. Review status: criteria provided, single submitter. Criteria: CeGaT Center For Human Genetics Tuebingen Variant Classification Criteria Version 2. Collection method: clinical testing. Allele origin: germline. Affected: yes. Observed: 1 variant allele.
Comment: CEP250: PM2:Supporting, BP4

Labcorp Genetics (formerly Invitae), Labcorp
Classification: Uncertain significance. Last evaluated: 2023-11-27. Review status: criteria provided, single submitter. Criteria: Invitae Variant Classification Sherloc (09022015). Collection method: clinical testing. Allele origin: germline.
Comment: This sequence change replaces arginine, which is basic and polar, with tryptophan, which is neutral and slightly polar, at codon 1953 of the CEP250 protein (p.Arg1953Trp). This variant is present in population databases (rs374682692, gnomAD 0.1%). This variant has not been reported in the literature in individuals affected with CEP250-related conditions. ClinVar contains an entry for this variant (Variation ID: 946142). An algorithm developed to predict the effect of missense changes on protein structure and function (PolyPhen-2) suggests that this variant is likely to be disruptive. In summary, the available evidence is currently insufficient to determine the role of this variant in disease. Therefore, it has been classified as a Variant of Uncertain Significance.

NM_007186.6(CEP250):c.5857C>T (p.Arg1953Trp)

Gene: CEP250 (centrosomal protein 250; plus strand). Cytogenetic location: 20q11.22.
Variant type: single nucleotide variant.
Coding change: c.5857C>T on transcript NM_007186.6 (MANE Select); coding-DNA position 5857, C replaced by T.
Protein change: p.Arg1953Trp; replaces arginine 1953 with tryptophan.
Molecular consequence: missense variant.
Genome position (GRCh38, 1-based): chr20:35,504,226, C>T. VCF-style: chr20-35504226-C-T. GRCh37 (hg19) VCF-style: chr20-34092054-C-T.
Other names: c.3961C>T, p.Arg1321Trp (NM_001318219.1); short protein forms R1321W, R1953W.
Identifiers: ClinVar variation 946142 (VCV000946142.15), dbSNP rs374682692, ClinGen allele CA9833946.